The following is an entry in ClinVar:

ClinVar aggregate classification (germline): Uncertain significance (1 of 4 stars; one submission).

Allele frequency attached by ClinVar (database versions not stated): gnomAD 0.00007; gnomAD exomes 0.00017; TOPMed 0.00020; ExAC 0.00007; ESP Exome Variant Server 0.00031.
gnomAD v4.1: 265 of 1,609,824 alleles (0.016%); highest among the groups gnomAD compares: South Asian, 0.042%; 2 homozygotes.

Submissions (2):

Labcorp Genetics (formerly Invitae), Labcorp
Classification: Uncertain significance. Last evaluated: 2025-06-02. Review status: criteria provided, single submitter. Criteria: Invitae Variant Classification Sherloc (09022015). Collection method: clinical testing. Allele origin: germline.
Comment: This sequence change replaces glycine, which is neutral and non-polar, with glutamic acid, which is acidic and polar, at codon 15 of the CEP63 protein (p.Gly15Glu). This variant also falls at the last nucleotide of exon 3, which is part of the consensus splice site for this exon. This variant is present in population databases (rs143367808, gnomAD 0.04%). This variant has not been reported in the literature in individuals affected with CEP63-related conditions. ClinVar contains an entry for this variant (Variation ID: 2071849). An algorithm developed to predict the effect of missense changes on protein structure and function (PolyPhen-2) suggests that this variant is likely to be tolerated. Variants that disrupt the consensus splice site are a relatively common cause of aberrant splicing (PMID: 17576681, 9536098). Algorithms developed to predict the effect of sequence changes on RNA splicing suggest that this variant may disrupt the consensus splice site. In summary, the available evidence is currently insufficient to determine the role of this variant in disease. Therefore, it has been classified as a Variant of Uncertain Significance.

Dr. Peter K. Rogan Lab, Western University
No classification provided (evidence only). Condition: Lung cancer. Review status: no classification provided. Collection method: in vitro. Allele origin: not applicable. Functional consequence: cryptic splice site. Not counted in ClinVar's aggregate classification.

Literature cited by the submitters: PubMed 17576681 (cited by Labcorp Genetics (formerly Invitae), Labcorp); PubMed 9536098 (cited by Labcorp Genetics (formerly Invitae), Labcorp).

NM_001353108.3(CEP63):c.44G>A (p.Gly15Glu)

Gene: CEP63 (centrosomal protein 63; plus strand). Cytogenetic location: 3q22.2.
Variant type: single nucleotide variant.
Coding change: c.44G>A on transcript NM_001353108.3 (MANE Select); coding-DNA position 44, G replaced by A.
Protein change: p.Gly15Glu; replaces glycine 15 with glutamic acid.
Molecular consequence: missense variant. On other transcripts: 5 prime UTR variant (1), non-coding transcript variant (4), intron variant (2).
Genome position (GRCh38, 1-based): chr3:134,495,364, G>A. VCF-style: chr3-134495364-G-A. GRCh37 (hg19) VCF-style: chr3-134214206-G-A.
Other names: c.44G>A, p.Gly15Glu (NM_001042383.2, NM_001042384.2, NM_001042400.3 and 13 more transcripts); c.-338G>A (NM_001353126.2); c.71+4G>A (NM_001353118.1); c.-41+4G>A (NM_001353125.2); short protein forms G15E.
Identifiers: ClinVar variation 2071849 (VCV002071849.3), dbSNP rs143367808, ClinGen allele CA2628229.